The following is an entry in ClinVar:

NM_201384.3(PLEC):c.12600G>C (p.Gly4200=)

Gene: PLEC (plectin; minus strand). Cytogenetic location: 8q24.3.
Variant type: single nucleotide variant.
Coding change: c.12600G>C on transcript NM_201384.3 (MANE Select); coding-DNA position 12600, G replaced by C.
Protein change: p.Gly4200=; no amino-acid change (glycine 4200 retained).
Molecular consequence: synonymous variant.
Genome position (GRCh38, 1-based): chr8:143,917,221, C>G on the plus strand (G>C on the coding strand, the complement: PLEC is on the minus strand). VCF-style: chr8-143917221-C-G. GRCh37 (hg19) VCF-style: chr8-144991389-C-G.
Other names: c.12681G>C, p.Gly4227= (NM_000445.5); c.9300G>C, p.Gly3100= (NM_001410941.1); c.12558G>C, p.Gly4186= (NM_201378.4); c.12534G>C, p.Gly4178= (NM_201379.3); c.13011G>C, p.Gly4337= (NM_201380.4); c.12504G>C, p.Gly4168= (NM_201381.3); c.12600G>C, p.Gly4200= (NM_201382.4); c.12612G>C, p.Gly4204= (NM_201383.3).
Identifiers: ClinVar variation 4980680 (VCV004980680.1).
Genomic context (GRCh38, chr8:143,917,221, plus strand): 5'-GTCCAGTGCCGAGCGGTCGATGAGGTTCTTGGCGATGGCATCATCGATGTCGTACTGGCG[C>G]CCGGAGCGGCGGTCGATGATCATGGACTTGACCACGCCGTCCGAGGAGGAGATGGTGATC-3'
Protein context (NP_958786.1, residues 4190-4210): VKSMIIDRRS[Gly4200=]RQYDIDDAIA

ClinVar aggregate classification (germline): Likely benign (1 of 4 stars; one submission).

Conditions:
PLEC-related disorder. Also called: PLEC-related condition; PLEC-related disorders.

Submission:

PreventionGenetics, part of Exact Sciences
Classification: Likely benign for PLEC-related condition. Last evaluated: 2026-05-13. Review status: criteria provided, single submitter. Criteria: ACMG Guidelines, 2015. Collection method: clinical testing. Allele origin: germline.
Comment: This variant is classified as likely benign based on ACMG/AMP sequence variant interpretation guidelines (Richards et al. 2015 PMID: 25741868, with internal and published modifications).